The following is an entry in ClinVar:

NM_000243.3(MEFV):c.1920C>G (p.Ile640Met)

Genes: MEFV (MEFV innate immunity regulator, pyrin; minus strand), LOC126862264 (CDK7 strongly-dependent group 2 enhancer GRCh37_chr16:3293322-3294521; plus strand). Cytogenetic location: 16p13.3.
Variant type: single nucleotide variant.
Coding change: c.1920C>G on transcript NM_000243.3 (MANE Select); coding-DNA position 1920, C replaced by G.
Protein change: p.Ile640Met; replaces isoleucine 640 with methionine.
Molecular consequence: missense variant. On other transcripts: 3 prime UTR variant (1).
Genome position (GRCh38, 1-based): chr16:3,243,567, G>C on the plus strand (C>G on the coding strand, the complement: MEFV is on the minus strand). VCF-style: chr16-3243567-G-C. GRCh37 (hg19) VCF-style: chr16-3293567-G-C.
Other names: c.*124C>G (NM_001198536.2); short protein forms I640M.
Identifiers: ClinVar variation 97468 (VCV000097468.19), dbSNP rs104895115, ClinGen allele CA280461.

ClinVar aggregate classification (germline): Uncertain significance. Review status: criteria provided, multiple submitters, no conflicts (2 of 4 stars). 4 submissions from 4 submitters: Uncertain significance (3). 1 of the submissions does not count toward it. Last evaluated 2026-02-17.

Conditions:
Familial Mediterranean fever (FMF). Also called: POLYSEROSITIS, FAMILIAL PAROXYSMAL; POLYSEROSITIS, RECURRENT; Periodic peritonitis; Benign paroxysmal peritonitis. Identifiers: Orphanet 342, MedGen C0031069, MONDO:0018088, OMIM 249100. Disease mechanism: gain of function.

Allele frequency attached by ClinVar (database versions not stated): TOPMed 0.00002; 1000 Genomes Project 0.00020; 1000 Genomes Project 30x 0.00031.
gnomAD v4.1: 80 of 1,609,972 alleles (0.005%); highest among the groups gnomAD compares: Non-Finnish European, 0.0065%; no homozygotes.

Submissions (4):

Women's Health and Genetics/Laboratory Corporation of America, LabCorp
Classification: Uncertain significance. Last evaluated: 2026-02-17. Review status: criteria provided, single submitter. Criteria: LabCorp Variant Classification Summary - May 2015. Collection method: clinical testing. Allele origin: germline.
Comment: Variant summary: MEFV c.1920C>G (p.Ile640Met) results in a conservative amino acid change located in the B30.2/SPRY domain (IPR001870) of the encoded protein sequence. Algorithms developed to predict the effect of missense changes on protein structure and function all suggest that this variant is likely to be tolerated. The variant allele was found at a frequency of 2.4e-05 in 249068 control chromosomes. The available data on variant occurrences in the general population are insufficient to allow any conclusion about variant significance. c.1920C>G has been observed in the hereozygous state, unknown phase with another MEFV variant, or in cis with a pathogenic MEFV variant in individual(s) affected with Familial Mediterranean Fever (Canete_2007, Accetturo_2020, Bustaffa_2025, Quiles_2025, Aksoy_2024). These data do not allow any conclusion about variant significance. Co-occurrences with other pathogenic variant(s) have been reported (MEFV c.1958G>A, R653H), providing supporting evidence for a benign role. To our knowledge, no experimental evidence demonstrating an impact on protein function has been reported. The following publications have been ascertained in the context of this evaluation (PMID: 31411330, 39042260, 40252570, 17665427, 40368691). ClinVar contains an entry for this variant (Variation ID: 97468). Based on the evidence outlined above, the variant was classified as VUS-possibly benign.

Labcorp Genetics (formerly Invitae), Labcorp
Classification: Uncertain significance for Familial Mediterranean fever. Last evaluated: 2026-01-19. Review status: criteria provided, single submitter. Criteria: Invitae Variant Classification Sherloc (09022015). Collection method: clinical testing. Allele origin: germline.
Comment: This sequence change replaces isoleucine, which is neutral and non-polar, with methionine, which is neutral and non-polar, at codon 640 of the MEFV protein (p.Ile640Met). This variant is present in population databases (rs104895115, gnomAD 0.005%). This missense change has been observed in individual(s) with clinical features of familial mediterranean fever (PMID: 16730661, 17665427, 39042260). ClinVar contains an entry for this variant (Variation ID: 97468). An algorithm developed to predict the effect of missense changes on protein structure and function (PolyPhen-2) suggests that this variant is likely to be disruptive. In summary, the available evidence is currently insufficient to determine the role of this variant in disease. Therefore, it has been classified as a Variant of Uncertain Significance.

CeGaT Center for Human Genetics Tuebingen
Classification: Uncertain significance. Last evaluated: 2024-12-01. Review status: criteria provided, single submitter. Criteria: CeGaT Center For Human Genetics Tuebingen Variant Classification Criteria Version 2. Collection method: clinical testing. Allele origin: germline. Affected: yes. Observed: 1 variant allele.
Comment: MEFV: PM1, PM2, BP4

Unité médicale des maladies autoinflammatoires, CHRU Montpellier
No classification provided. Condition: Familial Mediterranean fever. Review status: no classification provided. Collection method: not provided. Allele origin: unknown. Not counted in ClinVar's aggregate classification.

Literature cited by the submitters: PubMed 17665427 (cited by Women's Health and Genetics/Laboratory Corporation of America, LabCorp and Labcorp Genetics (formerly Invitae), Labcorp); PubMed 31411330 (cited by Women's Health and Genetics/Laboratory Corporation of America, LabCorp); PubMed 40252570 (cited by Women's Health and Genetics/Laboratory Corporation of America, LabCorp); PubMed 39042260 (cited by Women's Health and Genetics/Laboratory Corporation of America, LabCorp and Labcorp Genetics (formerly Invitae), Labcorp); PubMed 40368691 (cited by Women's Health and Genetics/Laboratory Corporation of America, LabCorp); PubMed 16730661 (cited by Labcorp Genetics (formerly Invitae), Labcorp).